The following is an entry in ClinVar:

ClinVar aggregate classification (germline): Uncertain significance. Review status: criteria provided, multiple submitters, no conflicts (2 of 4 stars). 3 submissions from 3 submitters: Uncertain significance (2). 1 of the submissions does not count toward it. Last evaluated 2024-03-15.

Conditions:
HSD3B7-related disorder. Also called: HSD3B7-related condition.
Inborn genetic diseases. Identifiers: MedGen C0950123, MeSH D030342.

Allele frequency attached by ClinVar (database versions not stated): ExAC 0.00002; gnomAD exomes 0.00002 and 0.00004; gnomAD 0.00003 and 0.00004; TOPMed 0.00003; ESP Exome Variant Server 0.00008.

Submissions (3):

Ambry Genetics
Classification: Uncertain significance for Inborn genetic diseases. Last evaluated: 2024-03-15. Review status: criteria provided, single submitter. Criteria: Ambry Variant Classification Scheme 2023. Collection method: clinical testing. Allele origin: germline.

Eurofins Ntd Llc (ga)
Classification: Uncertain significance. Last evaluated: 2016-12-22. Review status: criteria provided, single submitter. Criteria: EGL Classification Definitions 2015. Collection method: clinical testing. Allele origin: germline. Observed: 1 variant allele, 1 heterozygote.

PreventionGenetics, part of Exact Sciences
Classification: Uncertain significance for HSD3B7-related condition. Last evaluated: 2024-07-31. Review status: no assertion criteria provided. Collection method: clinical testing. Allele origin: germline. Not counted in ClinVar's aggregate classification.
Comment: The HSD3B7 c.257C>T variant is predicted to result in the amino acid substitution p.Thr86Met. To our knowledge, this variant has not been reported in the literature. This variant is reported in 0.015% of alleles in individuals of East Asian descent in gnomAD. At this time, the clinical significance of this variant is uncertain due to the absence of conclusive functional and genetic evidence.

NM_025193.4(HSD3B7):c.257C>T (p.Thr86Met)

Gene: HSD3B7 (hydroxy-delta-5-steroid dehydrogenase, 3 beta- and steroid delta-isomerase 7; plus strand). Cytogenetic location: 16p11.2.
Variant type: single nucleotide variant.
Coding change: c.257C>T on transcript NM_025193.4 (MANE Select); coding-DNA position 257, C replaced by T.
Protein change: p.Thr86Met; replaces threonine 86 with methionine.
Molecular consequence: missense variant.
Genome position (GRCh38, 1-based): chr16:30,986,139, C>T. VCF-style: chr16-30986139-C-T. GRCh37 (hg19) VCF-style: chr16-30997460-C-T.
Other names: c.257C>T, p.Thr86Met (NM_001142777.2, NM_001142778.2); c.257C>T (NM_025193.3); short protein forms T86M.
Identifiers: ClinVar variation 499368 (VCV000499368.7), dbSNP rs371576756, ClinGen allele CA8017938.